The following is an entry in ClinVar:

ClinVar aggregate classification (germline): Uncertain significance. Review status: criteria provided, multiple submitters, no conflicts (2 of 4 stars). 2 submissions from 2 submitters: Uncertain significance (2). Last evaluated 2025-01-17.

gnomAD v4.1: 15 of 1,614,074 alleles (0.00093%); highest among the groups gnomAD compares: South Asian, 0.0022%; no homozygotes.

Submissions (2):

Ambry Genetics
Classification: Uncertain significance. Last evaluated: 2025-01-17. Review status: criteria provided, single submitter. Criteria: Ambry Variant Classification Scheme 2023. Collection method: clinical testing. Allele origin: germline.

Labcorp Genetics (formerly Invitae), Labcorp
Classification: Uncertain significance. Last evaluated: 2024-03-16. Review status: criteria provided, single submitter. Criteria: Invitae Variant Classification Sherloc (09022015). Collection method: clinical testing. Allele origin: germline.
Comment: This sequence change replaces arginine, which is basic and polar, with glutamine, which is neutral and polar, at codon 550 of the ARHGEF1 protein (p.Arg550Gln). This variant is present in population databases (no rsID available, gnomAD 0.0009%). This variant has not been reported in the literature in individuals affected with ARHGEF1-related conditions. An algorithm developed to predict the effect of missense changes on protein structure and function (PolyPhen-2) suggests that this variant is likely to be disruptive. In summary, the available evidence is currently insufficient to determine the role of this variant in disease. Therefore, it has been classified as a Variant of Uncertain Significance.

NM_004706.4(ARHGEF1):c.1604G>A (p.Arg535Gln)

Gene: ARHGEF1 (Rho guanine nucleotide exchange factor 1; plus strand). Cytogenetic location: 19q13.2.
Variant type: single nucleotide variant.
Coding change: c.1604G>A on transcript NM_004706.4 (MANE Select); coding-DNA position 1604, G replaced by A.
Protein change: p.Arg535Gln; replaces arginine 535 with glutamine.
Molecular consequence: missense variant. On other transcripts: non-coding transcript variant (2).
Genome position (GRCh38, 1-based): chr19:41,902,639, G>A. VCF-style: chr19-41902639-G-A. GRCh37 (hg19) VCF-style: chr19-42406789-G-A.
Other names: c.1772G>A, p.Arg591Gln (NM_001396000.1); c.1505G>A, p.Arg502Gln (NM_001396002.1, NM_001396004.1, NM_198977.2); c.1604G>A, p.Arg535Gln (NM_001396003.1, NM_001396006.1); c.1649G>A, p.Arg550Gln (NM_199002.2); c.1649G>A (NM_199002.1); short protein forms R502Q, R535Q, R550Q, R591Q.
Identifiers: ClinVar variation 3609899 (VCV003609899.3).